The following is an entry in ClinVar:

ClinVar aggregate classification (germline): Pathogenic. Review status: criteria provided, multiple submitters, no conflicts (2 of 4 stars). 3 submissions from 3 submitters: Pathogenic (3). Last evaluated 2024-04-05.

Conditions:
Hereditary cancer-predisposing syndrome. Also called: Hereditary Cancer Syndrome; Neoplastic Syndromes, Hereditary; Hereditary neoplastic syndrome; Tumor predisposition. Identifiers: Orphanet 140162, MedGen C0027672, MeSH D009386, MONDO:0015356.
Familial adenomatous polyposis 1 (FAP1). Also called: FAMILIAL ADENOMATOUS POLYPOSIS 1, ATTENUATED; POLYPOSIS, ADENOMATOUS INTESTINAL. Identifiers: MedGen C2713442, MONDO:0021056, OMIM 175100. Disease mechanism: loss of function.

Submissions (3):

Labcorp Genetics (formerly Invitae), Labcorp
Classification: Pathogenic for Familial adenomatous polyposis 1. Last evaluated: 2024-04-05. Review status: criteria provided, single submitter. Criteria: Invitae Variant Classification Sherloc (09022015). Collection method: clinical testing. Allele origin: germline.
Comment: This sequence change creates a premature translational stop signal (p.Pro1440Hisfs*33) in the APC gene. While this is not anticipated to result in nonsense mediated decay, it is expected to disrupt the last 1404 amino acid(s) of the APC protein. This variant is not present in population databases (gnomAD no frequency). This variant has not been reported in the literature in individuals affected with APC-related conditions. ClinVar contains an entry for this variant (Variation ID: 429058). This variant is expected to disrupt the EB1 and HDLG binding sites, which mediate interactions with the cytoskeleton (PMID: 15311282, 17293347). While functional studies have not been performed to directly test the effect on APC protein function, this suggests that disruption of the C-terminal portion of the protein is functionally important. This variant disrupts a region of the APC protein in which other variant(s) (p.Tyr2645Lysfs*14) have been determined to be pathogenic (PMID: 1316610, 8381579, 9824584, 22135120, 27081525; Invitae). This suggests that this is a clinically significant region of the protein, and that variants that disrupt it are likely to be disease-causing. For these reasons, this variant has been classified as Pathogenic.

Ambry Genetics
Classification: Pathogenic for Hereditary cancer-predisposing syndrome. Last evaluated: 2023-12-20. Review status: criteria provided, single submitter. Criteria: Ambry Variant Classification Scheme 2023. Collection method: clinical testing. Allele origin: germline.
Comment: The c.4319delC pathogenic mutation, located in coding exon 15 of the APC gene, results from a deletion of one nucleotide at position 4319, causing a translational frameshift with a predicted alternate stop codon (p.P1440Hfs*33). This alteration occurs at the 3' terminus of theAPC gene, is not expected to trigger nonsense-mediated mRNA decay, and only impacts the last 49% of the protein. However, premature stop codons are typically deleterious in nature and a significant portion of the protein is affected (Ambry internal data). This alteration has been identified in a juvenile FAP patient (Gutierrez Sanchez LH et al. Gastrointest Endosc. 2018 Mar;87(3):648-656). This variant is considered to be rare based on population cohorts in the Genome Aggregation Database (gnomAD). Based on the supporting evidence, this alteration is interpreted as a disease-causing mutation.

GeneDx
Classification: Pathogenic. Last evaluated: 2018-03-08. Review status: criteria provided, single submitter. Criteria: GeneDx Variant Classification (06012015). Collection method: clinical testing. Allele origin: germline. Affected: yes.
Comment: This deletion of one nucleotide in APC is denoted c.4319delC at the cDNA level and p.Pro1440HisfsX33 (P1440HfsX33) at the protein level. The normal sequence, with the base that is deleted in brackets, is CCTC[delC]ACCA. The deletion causes a frameshift which changes a Proline to a Histidine at codon 1440, and creates a premature stop codon at position 33 of the new reading frame. This variant is predicted to cause loss of normal protein function through protein truncation. APC Pro1440HisfsX33 has been reported as a somatic variant identified in an adenoma from an individual with Familial Adenomatous Polyposis (Yamaguchi 2014). We consider this variant to be pathogenic.

Literature cited by the submitters: PubMed 15311282 (cited by Labcorp Genetics (formerly Invitae), Labcorp); PubMed 17293347 (cited by Labcorp Genetics (formerly Invitae), Labcorp); PubMed 1316610 (cited by Labcorp Genetics (formerly Invitae), Labcorp); PubMed 8381579 (cited by Labcorp Genetics (formerly Invitae), Labcorp); PubMed 9824584 (cited by Labcorp Genetics (formerly Invitae), Labcorp); PubMed 22135120 (cited by Labcorp Genetics (formerly Invitae), Labcorp); PubMed 27081525 (cited by Labcorp Genetics (formerly Invitae), Labcorp).

NM_000038.6(APC):c.4319del (p.Pro1440fs)

Gene: APC (APC regulator of Wnt signaling pathway; plus strand). Cytogenetic location: 5q22.2.
Variant type: Deletion.
Coding change: c.4319del on transcript NM_000038.6 (MANE Select); coding-DNA position 4319, one base deleted (C; older notation c.4319delC).
Protein change: p.Pro1440fs; shifts the reading frame from proline 1440.
Molecular consequence: frameshift variant.
Genome position (GRCh38, 1-based): chr5:112,839,913, C deleted; the last of 2 consecutive C bases (chr5:112,839,912-112,839,913); deleting either gives the same sequence. VCF-style (leftmost placement, unchanged base first): chr5-112839911-TC-T. GRCh37 (hg19) VCF-style: chr5-112175608-TC-T.
Other names: c.4319del, p.Pro1440fs (NM_001127510.3, NM_001354895.2); c.4265del, p.Pro1422fs (NM_001127511.3); c.4373del, p.Pro1458fs (NM_001354896.2); c.4349del, p.Pro1450fs (NM_001354897.2); c.4244del, p.Pro1415fs (NM_001354898.2); c.4235del, p.Pro1412fs (NM_001354899.2); c.4196del, p.Pro1399fs (NM_001354900.2); c.4142del, p.Pro1381fs (NM_001354901.2); and 5 more; short protein forms P1157fs, P1440fs, P1399fs, P1415fs, P1450fs, P1280fs, P1339fs, P1349fs.
Identifiers: ClinVar variation 429058 (VCV000429058.11), dbSNP rs1131691145, ClinGen allele CA445964472.
Genomic context (GRCh38, chr5:112,839,911, plus strand): 5'-CCCCAGTGATCTTCCAGATAGCCCTGGACAAACCATGCCACCAAGCAGAAGTAAAACACC[TC>T]CACCACCTCCTCAAACAGCTCAAACCAAGCGAGAAGTACCTAAAAATAAAGCACCTACTG-3'